The following is an entry in ClinVar:

NM_152641.4(ARID2):c.3938A>C (p.Gln1313Pro)

Gene: ARID2 (AT-rich interaction domain 2; plus strand). Cytogenetic location: 12q12.
Variant type: single nucleotide variant.
Coding change: c.3938A>C on transcript NM_152641.4 (MANE Select); coding-DNA position 3938, A replaced by C.
Protein change: p.Gln1313Pro; replaces glutamine 1313 with proline.
Molecular consequence: missense variant.
Genome position (GRCh38, 1-based): chr12:45,852,061, A>C. VCF-style: chr12-45852061-A-C. GRCh37 (hg19) VCF-style: chr12-46245844-A-C.
Other names: c.3938A>C, p.Gln1313Pro (NM_001347839.2); short protein forms Q1313P.
Identifiers: ClinVar variation 1676456 (VCV001676456.3), dbSNP rs2138175703, ClinGen allele CA384488791.

ClinVar aggregate classification (germline): Uncertain significance (1 of 4 stars; one submission).

Submission:

Greenwood Genetic Center Diagnostic Laboratories, Greenwood Genetic Center
Classification: Uncertain significance. Last evaluated: 2022-03-01. Review status: criteria provided, single submitter. Criteria: ACMG Guidelines, 2015. Collection method: clinical testing. Allele origin: germline. Affected: yes.
Comment: No Applicable ACMG Criteria - missense change where truncating variant is mechanism of disease